The following is an entry in ClinVar:

NM_025074.7(FRAS1):c.5423_5424del (p.Ser1808fs)

Gene: FRAS1 (Fraser extracellular matrix complex subunit 1; plus strand). Cytogenetic location: 4q21.21.
Variant type: Microsatellite.
Coding change: c.5423_5424del on transcript NM_025074.7 (MANE Select); coding-DNA positions 5423 to 5424, 2 bases deleted (CT; older notation c.5423_5424delCT).
Protein change: p.Ser1808fs; shifts the reading frame from serine 1808.
Molecular consequence: frameshift variant.
Genome position (GRCh38, 1-based): chr4:78,438,958-78,438,959, CT deleted; deleting any 2 consecutive bases within chr4:78,438,955-78,438,959 gives the same sequence; the c. name uses the placement nearest the transcript's 3' end. VCF-style (leftmost placement, unchanged base first): chr4-78438954-TTC-T. GRCh37 (hg19) VCF-style: chr4-79360108-TTC-T.
Other names: c.5423_5424del, p.Ser1808fs (NM_001166133.2); short protein forms S1808fs.
Identifiers: ClinVar variation 451289 (VCV000451289.2), dbSNP rs1553960137, ClinGen allele CA658657388.

ClinVar aggregate classification (germline): Likely pathogenic (1 of 4 stars; one submission).

Submission:

GeneDx
Classification: Likely pathogenic. Last evaluated: 2017-08-22. Review status: criteria provided, single submitter. Criteria: GeneDx Variant Classification (06012015). Collection method: clinical testing. Allele origin: germline. Affected: yes.
Comment: The c.5423_5424delCT variant in the FRAS1 gene has not been reported previously as a pathogenic variant nor as a benign variant, to our knowledge. The c.5423_5424delCT variant causes a frameshift starting with codon Serine 1808, changes this amino acid to a Cysteine residue, and creates a premature Stop codon at position 3 of the new reading frame, denoted p.Ser1808CysfsX3. This variant is predicted to cause loss of normal protein function either through protein truncation or nonsense-mediated mRNA decay. The c.5423_5424delCT variant is not observed in large population cohorts (Lek et al., 2016; 1000 Genomes Consortium et al., 2015; Exome Variant Server). We interpret c.5423_5424delCT as a likely pathogenic variant.